The following is an entry in ClinVar:

NM_002693.3(POLG):c.2725G>A (p.Gly909Ser)

Gene: POLG (DNA polymerase gamma, catalytic subunit; minus strand). Cytogenetic location: 15q26.1.
Variant type: single nucleotide variant.
Coding change: c.2725G>A on transcript NM_002693.3 (MANE Select); coding-DNA position 2725, G replaced by A.
Protein change: p.Gly909Ser; replaces glycine 909 with serine.
Molecular consequence: missense variant.
Genome position (GRCh38, 1-based): chr15:89,321,134, C>T on the plus strand (G>A on the coding strand, the complement: POLG is on the minus strand). VCF-style: chr15-89321134-C-T. GRCh37 (hg19) VCF-style: chr15-89864365-C-T.
Other names: c.2725G>A, p.Gly909Ser (NM_001126131.2); short protein forms G909S.
Identifiers: ClinVar variation 994446 (VCV000994446.8), dbSNP rs758419140, ClinGen allele CA393753454.

ClinVar aggregate classification (germline): Uncertain significance. Review status: criteria provided, multiple submitters, no conflicts (2 of 4 stars). 3 submissions from 3 submitters: Uncertain significance (3). Last evaluated 2025-12-02.

Conditions:
POLG-related disorder. Also called: POLG-Related Spectrum Disorders; POLG-related condition; POLG-Related Disorders. Identifiers: MedGen C4763519.
Progressive sclerosing poliodystrophy (MTDPS4A). Also called: Mitochondrial DNA depletion syndrome 4A (Alpers type); Mitochondrial DNA Depletion Syndrome 4A; Alpers Syndrome; ALPERS DIFFUSE DEGENERATION OF CEREBRAL GRAY MATTER WITH HEPATIC CIRRHOSIS; Alpers-Huttenlocher Syndrome; Alpers-Huttenlocher Syndrome (AHS). Identifiers: Orphanet 726, MedGen C0205710, MONDO:0008758, OMIM 203700.

Allele frequency attached by ClinVar (database versions not stated): gnomAD exomes below 0.00001; gnomAD 0.00001.

Submissions (3):

PreventionGenetics, part of Exact Sciences
Classification: Uncertain significance for POLG-related condition. Last evaluated: 2025-12-02. Review status: criteria provided, single submitter. Criteria: ACMG Guidelines, 2015. Collection method: clinical testing. Allele origin: germline.
Comment: The POLG c.2725G>A variant is predicted to result in the amino acid substitution p.Gly909Ser. This variant has been reported together with POLG likely pathogenic variant in an individual with epilepsy (Lemus et al. 2021. PubMed ID: 339315440. This variant has not been reported in population database gnomAD. At this time, the clinical significance of this variant is uncertain due to the absence of conclusive functional and genetic evidence.

Athena Diagnostics
Classification: Uncertain significance. Last evaluated: 2024-05-14. Review status: criteria provided, single submitter. Criteria: Athena Diagnostics Criteria. Collection method: clinical testing. Allele origin: unknown.
Comment: Available data are insufficient to determine the clinical significance of the variant at this time. The frequency of this variant in the general population is uninformative in assessment of its pathogenicity. Polyphen and MutationTaster predict this amino acid change may be benign.

Labcorp Genetics (formerly Invitae), Labcorp
Classification: Uncertain significance for Progressive sclerosing poliodystrophy. Last evaluated: 2022-03-13. Review status: criteria provided, single submitter. Criteria: Invitae Variant Classification Sherloc (09022015). Collection method: clinical testing. Allele origin: germline.
Comment: This sequence change replaces glycine, which is neutral and non-polar, with serine, which is neutral and polar, at codon 909 of the POLG protein (p.Gly909Ser). The frequency data for this variant in the population databases is considered unreliable, as metrics indicate poor data quality at this position in the gnomAD database. This variant has not been reported in the literature in individuals affected with POLG-related conditions. ClinVar contains an entry for this variant (Variation ID: 994446). Algorithms developed to predict the effect of missense changes on protein structure and function are either unavailable or do not agree on the potential impact of this missense change (SIFT: "Tolerated"; PolyPhen-2: "Possibly Damaging"; Align-GVGD: "Class C0"). In summary, the available evidence is currently insufficient to determine the role of this variant in disease. Therefore, it has been classified as a Variant of Uncertain Significance.

Literature cited by the submitters: PubMed 33931544 (cited by Athena Diagnostics).